The following is an entry in ClinVar:

NM_013275.6(ANKRD11):c.1977del (p.Thr658_Tyr659insTer)

Gene: ANKRD11 (ankyrin repeat domain containing 11; minus strand). Cytogenetic location: 16q24.3.
Variant type: Deletion.
Coding change: c.1977del on transcript NM_013275.6 (MANE Select); coding-DNA position 1977, one base deleted (C; older notation c.1977delC).
Protein change: p.Thr658_Tyr659insTer.
Molecular consequence: nonsense.
Genome position (GRCh38, 1-based): chr16:89,284,565, G deleted on the plus strand (C on the coding strand, the reverse complement: ANKRD11 is on the minus strand). VCF-style (leftmost placement, unchanged base first): chr16-89284564-CG-C. GRCh37 (hg19) VCF-style: chr16-89350972-CG-C.
Other names: c.1977del, p.Thr658_Tyr659insTer (NM_001256182.2, NM_001256183.2).
Identifiers: ClinVar variation 1331671 (VCV001331671.4), dbSNP rs2151761883, ClinGen allele CA2573054303.

ClinVar aggregate classification (germline): Likely pathogenic (1 of 4 stars; one submission).

Submission:

Greenwood Genetic Center Diagnostic Laboratories, Greenwood Genetic Center
Classification: Likely pathogenic. Last evaluated: 2021-01-29. Review status: criteria provided, single submitter. Criteria: ACMG Guidelines, 2015. Collection method: clinical testing. Allele origin: germline. Affected: yes.
Comment: PVS1, PM2